The following is an entry in ClinVar:

NM_012431.3(SEMA3E):c.269A>G (p.Tyr90Cys)

Gene: SEMA3E (semaphorin 3E; minus strand). Cytogenetic location: 7q21.11.
Variant type: single nucleotide variant.
Coding change: c.269A>G on transcript NM_012431.3 (MANE Select); coding-DNA position 269, A replaced by G.
Protein change: p.Tyr90Cys; replaces tyrosine 90 with cysteine.
Molecular consequence: missense variant.
Genome position (GRCh38, 1-based): chr7:83,490,121, T>C on the plus strand (A>G on the coding strand, the complement: SEMA3E is on the minus strand). VCF-style: chr7-83490121-T-C. GRCh37 (hg19) VCF-style: chr7-83119437-T-C.
Other names: c.89A>G, p.Tyr30Cys (NM_001178129.2); short protein forms Y30C, Y90C.
Identifiers: ClinVar variation 4993317 (VCV004993317.1).
Genomic context (GRCh38, chr7:83,490,121, plus strand): 5'-GAAATTTCCCCCCTTTTCTATCTCTACTGAAATGCAGTTTGATATTTCTATACCTCTTTA[T>C]AGCCGTCACTGATTCTCTCCAAGCTGAGGGAATATACAAGGTCCCTGCCTCCCACGAAGA-3'
Protein context (NP_036563.1, residues 80-100): SLSLERISDG[Tyr90Cys]KEIHWPSTAL

ClinVar aggregate classification (germline): Uncertain significance (1 of 4 stars; one submission).

Conditions:
SEMA3E-related disorder. Also called: SEMA3E-related condition.

gnomAD v4.1: 2 of 1,612,654 alleles (0.00012%); highest among the groups gnomAD compares: African/African-American, 0.0013%; no homozygotes.

Submission:

PreventionGenetics, part of Exact Sciences
Classification: Uncertain significance for SEMA3E-related condition. Last evaluated: 2026-07-15. Review status: criteria provided, single submitter. Criteria: ACMG Guidelines, 2015. Collection method: clinical testing. Allele origin: germline.
Comment: The SEMA3E c.269A>G variant is predicted to result in the amino acid substitution p.Tyr90Cys. To our knowledge, this variant has not been reported in the literature. This variant is reported in 0.0040% of alleles in individuals of African descent in gnomAD. At this time, the clinical significance of this variant is uncertain due to the absence of conclusive functional and genetic evidence.